The following is an entry in ClinVar:

NM_002471.4(MYH6):c.5792C>T (p.Ala1931Val)

Gene: MYH6 (myosin heavy chain 6; minus strand). Cytogenetic location: 14q11.2.
Variant type: single nucleotide variant.
Coding change: c.5792C>T on transcript NM_002471.4 (MANE Select); coding-DNA position 5792, C replaced by T.
Protein change: p.Ala1931Val; replaces alanine 1931 with valine.
Molecular consequence: missense variant.
Genome position (GRCh38, 1-based): chr14:23,382,432, G>A on the plus strand (C>T on the coding strand, the complement: MYH6 is on the minus strand). VCF-style: chr14-23382432-G-A. GRCh37 (hg19) VCF-style: chr14-23851641-G-A.
Other names: short protein forms A1931V.
Identifiers: ClinVar variation 1749671 (VCV001749671.4), dbSNP rs1233371859, ClinGen allele CA388981104.
Genomic context (GRCh38, chr14:23,382,432, plus strand): 5'-TATCAGGGGGCATGCTAATGTGGAAGTGACTAGTGAAGCCCAGGGGAGGGACCCACCTTG[G>A]CACCAATGTCACGGCTCTTGGCTCGAAGCTTGTTGACCTGGGACTCAGCGATGTCCGCCC-3'
Protein context (NP_002462.2, residues 1921-1939): KLRAKSRDIG[Ala1931Val]KQKMHDEE

ClinVar aggregate classification (germline): Conflicting classifications of pathogenicity. Review status: criteria provided, conflicting classifications (1 of 4 stars). 2 submissions from 2 submitters: Uncertain significance (1); Likely benign (1). Last evaluated 2025-06-29.

Conditions:
Cardiovascular phenotype. Identifiers: MedGen CN230736.
Hypertrophic cardiomyopathy 14. Identifiers: MedGen C2750467, MONDO:0013197, OMIM 613251.

Allele frequency attached by ClinVar (database versions not stated): gnomAD exomes below 0.00001; gnomAD 0.00001; TOPMed 0.00001.
gnomAD v4.1: 6 of 1,614,016 alleles (0.00037%); highest among the groups gnomAD compares: African/African-American, 0.004%; no homozygotes.

Submissions (2):

Labcorp Genetics (formerly Invitae), Labcorp
Classification: Uncertain significance for Hypertrophic cardiomyopathy 14. Last evaluated: 2025-06-29. Review status: criteria provided, single submitter. Criteria: Invitae Variant Classification Sherloc (09022015). Collection method: clinical testing. Allele origin: germline.
Comment: This sequence change replaces alanine, which is neutral and non-polar, with valine, which is neutral and non-polar, at codon 1931 of the MYH6 protein (p.Ala1931Val). This variant is present in population databases (no rsID available, gnomAD 0.003%). This variant has not been reported in the literature in individuals affected with MYH6-related conditions. ClinVar contains an entry for this variant (Variation ID: 1749671). An algorithm developed to predict the effect of missense changes on protein structure and function (PolyPhen-2) suggests that this variant is likely to be tolerated. In summary, the available evidence is currently insufficient to determine the role of this variant in disease. Therefore, it has been classified as a Variant of Uncertain Significance.

Ambry Genetics
Classification: Likely benign for Cardiovascular phenotype. Last evaluated: 2024-12-14. Review status: criteria provided, single submitter. Criteria: Ambry Variant Classification Scheme 2023. Collection method: clinical testing. Allele origin: germline.